The following is an entry in ClinVar:

ClinVar aggregate classification (germline): Pathogenic (1 of 4 stars; one submission).

Conditions:
Acyl-CoA oxidase deficiency. Also called: Pseudoneonatal adrenoleukodystrophy; Peroxisomal acyl-CoA oxidase deficiency; STRAIGHT-CHAIN ACYL-CoA OXIDASE DEFICIENCY. Identifiers: Orphanet 2971, MedGen C1849678, MONDO:0009919, OMIM 264470. Disease mechanism: loss of function.

Allele frequency attached by ClinVar (database versions not stated): ExAC 0.00001.

Submission:

Labcorp Genetics (formerly Invitae), Labcorp
Classification: Pathogenic for Acyl-CoA oxidase deficiency. Last evaluated: 2022-11-23. Review status: criteria provided, single submitter. Criteria: Invitae Variant Classification Sherloc (09022015). Collection method: clinical testing. Allele origin: germline.
Comment: For these reasons, this variant has been classified as Pathogenic. This variant has not been reported in the literature in individuals affected with ACOX1-related conditions. This variant is not present in population databases (gnomAD no frequency). This sequence change creates a premature translational stop signal (p.Trp175*) in the ACOX1 gene. It is expected to result in an absent or disrupted protein product. Loss-of-function variants in ACOX1 are known to be pathogenic (PMID: 8040306, 17458872).

Literature cited by the submitters: PubMed 8040306; PubMed 17458872.

NM_004035.7(ACOX1):c.525G>A (p.Trp175Ter)

Gene: ACOX1 (acyl-CoA oxidase 1; minus strand). Cytogenetic location: 17q25.1.
Variant type: single nucleotide variant.
Coding change: c.525G>A on transcript NM_004035.7 (MANE Select); coding-DNA position 525, G replaced by A.
Protein change: p.Trp175Ter; replaces tryptophan 175 with a stop codon.
Molecular consequence: nonsense.
Genome position (GRCh38, 1-based): chr17:75,957,472, C>T on the plus strand (G>A on the coding strand, the complement: ACOX1 is on the minus strand). VCF-style: chr17-75957472-C-T. GRCh37 (hg19) VCF-style: chr17-73953553-C-T.
Other names: c.411G>A, p.Trp137Ter (NM_001185039.2); c.525G>A, p.Trp175Ter (NM_007292.6); short protein forms W137*, W175*.
Identifiers: ClinVar variation 2815737 (VCV002815737.3), dbSNP rs759944879, ClinGen allele CA8777000.
Genomic context (GRCh38, chr17:75,957,472, plus strand): 5'-ATGACAAACCTTCAAAACATCCAATAAATGCTGAAAAATTCACTTACGCCCACCAGGCCA[C>T]CATTTAATGGAGGTCACAGTAGGACTGTTGAGAATGAACTCCTGGGTTTCAGGGTCATAC-3'